The following is an entry in ClinVar:

NM_000135.4(FANCA):c.1340C>T (p.Ser447Leu)

Gene: FANCA (FA complementation group A; minus strand). Cytogenetic location: 16q24.3.
Variant type: single nucleotide variant.
Coding change: c.1340C>T on transcript NM_000135.4 (MANE Select); coding-DNA position 1340, C replaced by T.
Protein change: p.Ser447Leu; replaces serine 447 with leucine.
Molecular consequence: missense variant.
Genome position (GRCh38, 1-based): chr16:89,791,422, G>A on the plus strand (C>T on the coding strand, the complement: FANCA is on the minus strand). VCF-style: chr16-89791422-G-A. GRCh37 (hg19) VCF-style: chr16-89857830-G-A.
Other names: c.1340C>T (LRG_495t1, NM_000135.3); c.1340C>T, p.Ser447Leu (NM_001286167.3); short protein forms S447L.
Identifiers: ClinVar variation 237034 (VCV000237034.26), dbSNP rs149551759, ClinGen allele CA8252400.
Genomic context (GRCh38, chr16:89,791,422, plus strand): 5'-GGAAGATCAGGTATTAGGTAGCCGATTGGCAGGTCACTTACCTTGAACCAGTCTGCATAT[G>A]ACAGGAACGCAGAGGGGCCCTCCAGTGCTGCCTGGCGCACAACCAGGAACGCAGTGACCA-3'
Protein context (NP_000126.2, residues 437-457): AALEGPSAFL[Ser447Leu]YADWFKASFG

ClinVar aggregate classification (germline): Conflicting classifications of pathogenicity. Review status: criteria provided, conflicting classifications (1 of 4 stars). 10 submissions from 10 submitters: Uncertain significance (8); Likely benign (1). 1 of the submissions does not count toward it. Last evaluated 2026-01-11.

Conditions:
FANCA-related disorder. Also called: FANCA-related condition.
Fanconi anemia (FA). Also called: Fanconi's anemia. Identifiers: Orphanet 84, MedGen C0015625, MeSH D005199, MONDO:0019391.
Fanconi anemia complementation group A (FANCA). Also called: Fanconi anemia, group A; FANCA-Related Fanconi Anemia. Identifiers: Orphanet 84, MedGen C3469521, MONDO:0009215, OMIM 227650.

Allele frequency attached by ClinVar (database versions not stated): ESP Exome Variant Server 0.00023; TOPMed 0.00023; gnomAD 0.00025 and 0.00029; gnomAD exomes 0.00032 and 0.00038; ExAC 0.00044.
gnomAD v4.1: 509 of 1,613,946 alleles (0.032%); highest among the groups gnomAD compares: Non-Finnish European, 0.036%; no homozygotes.

Submissions (10):

Labcorp Genetics (formerly Invitae), Labcorp
Classification: Likely benign for Fanconi anemia. Last evaluated: 2026-01-11. Review status: criteria provided, single submitter. Criteria: Invitae Variant Classification Sherloc (09022015). Collection method: clinical testing. Allele origin: germline.

Quest Diagnostics Nichols Institute San Juan Capistrano
Classification: Uncertain significance. Last evaluated: 2025-11-05. Review status: criteria provided, single submitter. Criteria: Quest Diagnostics criteria. Collection method: clinical testing. Allele origin: unknown.
Comment: The FANCA c.1340C>T (p.Ser447Leu) variant has been reported in individuals with epithelial ovarian cancer (PMID: 32546565 (2021)), Myelodysplastic syndromes (MDS)/acute myeloid leukemia (AML) (PMID: 26492932 (2015)), primary ovarian insufficiency (PMID: 34803902 (2021)) and reportedly unaffected individuals (PMID: 32546565 (2021), 39256447(2024)). Functional studies assessing the variant's role within the Fanconi Anemia pathway report no impact to protein binding (PMID: 28215707 (2017)). The frequency of this variant in the general population (Genome Aggregation Database) is higher than would generally be expected for pathogenic variants in this gene. Analysis of this variant using bioinformatics tools for the prediction of the effect of amino acid changes on protein structure and function yielded conflicting predictions that this variant is deleterious or benign. Based on the available information, we are unable to determine the clinical significance of this variant.

Blueprint Genetics
Classification: Uncertain significance. Last evaluated: 2024-08-30. Review status: criteria provided, single submitter. Criteria: ACMG Guidelines, 2015. Collection method: clinical testing. Allele origin: germline.

Fulgent Genetics
Classification: Uncertain significance for Fanconi anemia complementation group A. Last evaluated: 2024-01-07. Review status: criteria provided, single submitter. Criteria: ACMG Guidelines, 2015. Collection method: clinical testing. Allele origin: germline.

PreventionGenetics, part of Exact Sciences
Classification: Uncertain significance for FANCA-related condition. Last evaluated: 2023-01-19. Review status: criteria provided, single submitter. Criteria: ACMG Guidelines, 2015. Collection method: clinical testing. Allele origin: germline.
Comment: The FANCA c.1340C>T variant is predicted to result in the amino acid substitution p.Ser447Leu. This variant was reported in the compound heterozygous state with a second FANCA variant (c.3349-3C>T) in an individual with myelodysplastic syndrome / acute myeloid leukemia; however, this individual also had two compound heterozygous variants in the SBDS gene (Churpek et al. 2015. PubMed ID: 26492932). This variant is reported in 0.088% of alleles in individuals of European (Finnish) descent in gnomAD and is interpreted as uncertain in ClinVar. Although we suspect that this variant may be benign, at this time, the clinical significance of this variant is uncertain due to the absence of conclusive functional and genetic evidence.

Sema4
Classification: Uncertain significance for Fanconi anemia. Last evaluated: 2021-11-04. Review status: criteria provided, single submitter. Criteria: Sema4 Curation Guidelines. Collection method: curation. Allele origin: germline.
Comment: The FANCA c.1340C>T (p.S447L) variant has been reported in an individual with myelodysplastic syndrome/acute myeloid leukemia (PMID: 26492932); however, the author noted that the patient did not have features of Fanconi anemia but instead had features consistent with Schwachman-Diamond syndrome with two predicted deleterious SBDS variants. It has also been reported in individuals with ovarian cancer (PMID: 32546565). Functional studies have shown that this variant does not alter binding with HSP70 and HSP90 (PMID: 28215707). In silico predictions of the variant's effect on protein function are inconclusive. It was observed in 110/282098 chromosomes, with no homozygotes, in the large and broad cohorts of the Genome Aggregation Database (PMID: 32461654). The variant has been reported in ClinVar (Variation ID 237034). The evidence is insufficient to meet ACMG/AMP criteria for classifying the variant as benign or pathogenic. Thus, the clinical significance of this variant is currently uncertain.

GeneDx
Classification: Uncertain significance. Last evaluated: 2021-01-26. Review status: criteria provided, single submitter. Criteria: GeneDx Variant Classification Process June 2021. Collection method: clinical testing. Allele origin: germline. Affected: yes.
Comment: In silico analysis supports that this missense variant has a deleterious effect on protein structure/function; Reported with another FANCA variant in an individual who also carried two variants in the SBDS gene (Churpek et al., 2015).; This variant is associated with the following publications: (PMID: 26492932)

Illumina Laboratory Services, Illumina
Classification: Uncertain significance for Fanconi anemia complementation group A. Last evaluated: 2018-01-12. Review status: criteria provided, single submitter. Criteria: ICSL Variant Classification Criteria 13 December 2019. Collection method: clinical testing. Allele origin: germline.

Breakthrough Genomics
Classification: Uncertain significance. Review status: criteria provided, single submitter. Criteria: ACMG Guidelines, 2015. Collection method: not provided. Allele origin: germline. Inheritance: Autosomal recessive inheritance. Affected: yes.

Natera, Inc.
Classification: Uncertain significance for Fanconi anemia, group A. Last evaluated: 2020-09-16. Review status: no assertion criteria provided. Collection method: clinical testing. Allele origin: germline. Not counted in ClinVar's aggregate classification.

Literature cited by the submitters: PubMed 32546565 (cited by Quest Diagnostics Nichols Institute San Juan Capistrano and Sema4); PubMed 28215707 (cited by Quest Diagnostics Nichols Institute San Juan Capistrano and Sema4); PubMed 26492932 (cited by Quest Diagnostics Nichols Institute San Juan Capistrano and Sema4); PubMed 34803902 (cited by Quest Diagnostics Nichols Institute San Juan Capistrano); PubMed 39256447 (cited by Quest Diagnostics Nichols Institute San Juan Capistrano).